The following is an entry in ClinVar:

ClinVar aggregate classification (germline): Uncertain significance (1 of 4 stars; one submission).

Submission:

GeneDx
Classification: Uncertain significance. Last evaluated: 2024-02-15. Review status: criteria provided, single submitter. Criteria: GeneDx Variant Classification Process June 2021. Collection method: clinical testing. Allele origin: germline. Affected: yes.
Comment: Not observed at significant frequency in large population cohorts (gnomAD); In silico analysis supports that this missense variant has a deleterious effect on protein structure/function; Has not been previously published as pathogenic or benign to our knowledge

NM_000124.4(ERCC6):c.3944C>G (p.Thr1315Ser)

Gene: ERCC6 (ERCC excision repair 6, chromatin remodeling factor; minus strand). Cytogenetic location: 10q11.23.
Variant type: single nucleotide variant.
Coding change: c.3944C>G on transcript NM_000124.4 (MANE Select); coding-DNA position 3944, C replaced by G.
Protein change: p.Thr1315Ser; replaces threonine 1315 with serine.
Molecular consequence: missense variant.
Genome position (GRCh38, 1-based): chr10:49,461,391, G>C on the plus strand (C>G on the coding strand, the complement: ERCC6 is on the minus strand). VCF-style: chr10-49461391-G-C. GRCh37 (hg19) VCF-style: chr10-50669437-G-C.
Other names: c.3944C>G, p.Thr1315Ser (NM_001346440.2); short protein forms T1315S.
Identifiers: ClinVar variation 3369310 (VCV003369310.1).